The following is an entry in ClinVar:

ClinVar aggregate classification (germline): Pathogenic. Review status: criteria provided, multiple submitters, no conflicts (2 of 4 stars). 2 submissions from 2 submitters: Pathogenic (2). Last evaluated 2024-03-20.

Conditions:
Autosomal recessive congenital ichthyosis 1 (LI1). Also called: COLLODION FETUS; DESQUAMATION OF NEWBORN; ICHTHYOSIS CONGENITA; ICHTHYOSIS CONGENITA II; LAMELLAR EXFOLIATION OF NEWBORN; ICHTHYOSIS, CONGENITAL, AUTOSOMAL RECESSIVE 1, WITH BATHING SUIT DISTRIBUTION. Identifiers: MedGen C4551630, MONDO:0009441, OMIM 242300.

Allele frequency attached by ClinVar (database versions not stated): gnomAD exomes below 0.00001; 1000 Genomes Project 30x 0.00016; 1000 Genomes Project 0.00020.
gnomAD v4.1: 2 of 1,614,202 alleles (0.00012%); highest among the groups gnomAD compares: East Asian, 0.0022%; no homozygotes.

Submissions (2):

Labcorp Genetics (formerly Invitae), Labcorp
Classification: Pathogenic. Last evaluated: 2024-03-20. Review status: criteria provided, single submitter. Criteria: Invitae Variant Classification Sherloc (09022015). Collection method: clinical testing. Allele origin: germline.
Comment: This sequence change creates a premature translational stop signal (p.Gln203*) in the TGM1 gene. It is expected to result in an absent or disrupted protein product. Loss-of-function variants in TGM1 are known to be pathogenic (PMID: 18948357, 19241467). This variant is not present in population databases (gnomAD no frequency). This premature translational stop signal has been observed in individual(s) with lamellar ichthyosis (PMID: 19486042, 31953843). ClinVar contains an entry for this variant (Variation ID: 1419049). For these reasons, this variant has been classified as Pathogenic.

Baylor Genetics
Classification: Pathogenic for Autosomal recessive congenital ichthyosis 1. Last evaluated: 2022-11-23. Review status: criteria provided, single submitter. Criteria: ACMG Guidelines, 2015. Collection method: clinical testing. Allele origin: unknown.

Literature cited by the submitters: PubMed 18948357 (cited by Labcorp Genetics (formerly Invitae), Labcorp); PubMed 19241467 (cited by Labcorp Genetics (formerly Invitae), Labcorp); PubMed 19486042 (cited by Labcorp Genetics (formerly Invitae), Labcorp); PubMed 31953843 (cited by Labcorp Genetics (formerly Invitae), Labcorp).

NM_000359.3(TGM1):c.607C>T (p.Gln203Ter)

Gene: TGM1 (transglutaminase 1; minus strand). Cytogenetic location: 14q12.
Variant type: single nucleotide variant.
Coding change: c.607C>T on transcript NM_000359.3 (MANE Select); coding-DNA position 607, C replaced by T.
Protein change: p.Gln203Ter; replaces glutamine 203 with a stop codon.
Molecular consequence: nonsense.
Genome position (GRCh38, 1-based): chr14:24,260,600, G>A on the plus strand (C>T on the coding strand, the complement: TGM1 is on the minus strand). VCF-style: chr14-24260600-G-A. GRCh37 (hg19) VCF-style: chr14-24729806-G-A.
Other names: short protein forms Q203*.
Identifiers: ClinVar variation 1419049 (VCV001419049.7), dbSNP rs201167101, ClinGen allele CA257900240.